The following is an entry in ClinVar:

ClinVar aggregate classification (germline): Uncertain significance. Review status: criteria provided, multiple submitters, no conflicts (2 of 4 stars). 2 submissions from 2 submitters: Uncertain significance (2). Last evaluated 2026-04-14.

Conditions:
Progressive familial intrahepatic cholestasis type 2. Identifiers: Orphanet 79304, MedGen C3489789, MONDO:0011156, OMIM 601847.
Familial intrahepatic cholestasis. Identifiers: Orphanet 284385, MedGen CN296401, MONDO:0017290.

gnomAD v4.1: 1 of 1,613,834 alleles (0.000062%); highest among the groups gnomAD compares: East Asian, 0.0022%; no homozygotes.

Submissions (2):

Genomenon, Inc
Classification: Uncertain significance for Familial intrahepatic cholestasis. Last evaluated: 2026-04-14. Review status: criteria provided, single submitter. Criteria: Genomenon Sequence Variant Interpretation Standards - Updated. Collection method: curation. Allele origin: germline. Affected: yes.
Comment: ABCB11 p.Arg920Gly (c.2758A>G) is a missense variant that changes the amino acid at residue 920 from Arginine to Glycine. This variant has been observed in at least one proband with an ABCB11-related disorder (PMID:25565657;32808743). It is absent or not present at a significant frequency in gnomAD. In conclusion, we classify ABCB11 p.Arg920Gly (c.2758A>G) as a variant of uncertain significance.

Broad Center for Mendelian Genomics, Broad Institute of MIT and Harvard
Classification: Uncertain significance for Progressive familial intrahepatic cholestasis type 2. Last evaluated: 2025-01-24. Review status: criteria provided, single submitter. Criteria: ACMG Guidelines, 2015. Collection method: curation. Allele origin: germline. Inheritance: Autosomal recessive inheritance.
Comment: The p.Arg920Gly variant in ABCB11 has been reported in one individual with BSEP deficiency (PMID: 32808743), and has been identified in 0.002% (1/44888) of East Asian chromosomes by the Genome Aggregation Database (gnomAD; dbSNP rs1476123304). Although this variant has been seen in the general population in a heterozygous state, its frequency is low enough to be consistent with a recessive carrier frequency. Computational prediction tools and conservation analyses do not provide strong support for or against an impact to the protein. In summary, the clinical significance of the p.Arg920Gly variant is uncertain. ACMG/AMP Criteria applied: PM2_supporting (Richards 2015).

Literature cited by the submitters: PubMed 25565657 (cited by Genomenon, Inc); PubMed 32808743 (cited by Genomenon, Inc).

NM_003742.4(ABCB11):c.2758A>G (p.Arg920Gly)

Genes: ABCB11 (ATP binding cassette subfamily B member 11; minus strand), LOC126806400 (CDK7 strongly-dependent group 2 enhancer GRCh37_chr2:169791870-169793069; plus strand). Cytogenetic location: 2q31.1.
Variant type: single nucleotide variant.
Coding change: c.2758A>G on transcript NM_003742.4 (MANE Select); coding-DNA position 2758, A replaced by G.
Protein change: p.Arg920Gly; replaces arginine 920 with glycine.
Molecular consequence: missense variant.
Genome position (GRCh38, 1-based): chr2:168,936,286, T>C on the plus strand (A>G on the coding strand, the complement: ABCB11 is on the minus strand). VCF-style: chr2-168936286-T-C. GRCh37 (hg19) VCF-style: chr2-169792796-T-C.
Other names: NM_003742.4:c.2758A>G; short protein forms R920G.
Identifiers: ClinVar variation 3776850 (VCV003776850.2).